The following is an entry in ClinVar:

ClinVar aggregate classification (germline): Uncertain significance (1 of 4 stars; one submission).

Conditions:
Noonan syndrome 9 (NS9). Identifiers: Orphanet 648, MedGen C4225282, MONDO:0014691, OMIM 616559.

Allele frequency attached by ClinVar (database versions not stated): gnomAD exomes below 0.00001.
gnomAD v4.1: 1 of 1,610,030 alleles (0.000062%); no homozygotes.

Submission:

Labcorp Genetics (formerly Invitae), Labcorp
Classification: Uncertain significance for Noonan syndrome 9. Last evaluated: 2022-03-26. Review status: criteria provided, single submitter. Criteria: Invitae Variant Classification Sherloc (09022015). Collection method: clinical testing. Allele origin: germline.
Comment: This sequence change replaces serine, which is neutral and polar, with proline, which is neutral and non-polar, at codon 158 of the SOS2 protein (p.Ser158Pro). The frequency data for this variant in the population databases is considered unreliable, as metrics indicate poor data quality at this position in the gnomAD database. This variant has not been reported in the literature in individuals affected with SOS2-related conditions. Algorithms developed to predict the effect of missense changes on protein structure and function are either unavailable or do not agree on the potential impact of this missense change (SIFT: "Tolerated"; PolyPhen-2: "Possibly Damaging"; Align-GVGD: "Class C0"). In summary, the available evidence is currently insufficient to determine the role of this variant in disease. Therefore, it has been classified as a Variant of Uncertain Significance.

NM_006939.4(SOS2):c.472T>C (p.Ser158Pro)

Gene: SOS2 (SOS Ras/Rho guanine nucleotide exchange factor 2; minus strand). Cytogenetic location: 14q21.3.
Variant type: single nucleotide variant.
Coding change: c.472T>C on transcript NM_006939.4 (MANE Select); coding-DNA position 472, T replaced by C.
Protein change: p.Ser158Pro; replaces serine 158 with proline.
Molecular consequence: missense variant.
Genome position (GRCh38, 1-based): chr14:50,199,729, A>G on the plus strand (T>C on the coding strand, the complement: SOS2 is on the minus strand). VCF-style: chr14-50199729-A-G. GRCh37 (hg19) VCF-style: chr14-50666447-A-G.
Other names: c.472T>C, p.Ser158Pro (NM_001411020.1); short protein forms S158P.
Identifiers: ClinVar variation 2142409 (VCV002142409.4), dbSNP rs1210780288, ClinGen allele CA389649518.